The following is an entry in ClinVar:

NM_000392.5(ABCC2):c.2345_2348del (p.Tyr782fs)

Gene: ABCC2 (ATP binding cassette subfamily C member 2; plus strand). Cytogenetic location: 10q24.2.
Variant type: Microsatellite.
Coding change: c.2345_2348del on transcript NM_000392.5 (MANE Select); coding-DNA positions 2345 to 2348, 4 bases deleted (ATCT; older notation c.2345_2348delATCT).
Protein change: p.Tyr782fs; shifts the reading frame from tyrosine 782.
Molecular consequence: frameshift variant.
Genome position (GRCh38, 1-based): chr10:99,818,863-99,818,866, ATCT deleted; deleting any 4 consecutive bases within chr10:99,818,859-99,818,866 gives the same sequence; the c. name uses the placement nearest the transcript's 3' end. VCF-style (leftmost placement, unchanged base first): chr10-99818858-CATCT-C. GRCh37 (hg19) VCF-style: chr10-101578615-CATCT-C.
Other names: short protein forms Y782fs.
Identifiers: ClinVar variation 4994555 (VCV004994555.1).
Genomic context (GRCh38, chr10:99,818,858, plus strand): 5'-TCTTAGTGGGGGTCAGAAGCAGCGGATCAGCCTGGCCAGAGCTACCTACCAAAATTTAGA[CATCT>C]ATCTTCTAGATGACCCCCTGTCTGCAGTGGATGCTCATGTAGGAAAACATATTTTTAATA-3'

ClinVar aggregate classification (germline): Likely pathogenic (1 of 4 stars; one submission).

Conditions:
ABCC2-related disorder. Also called: ABCC2-related condition.

Submission:

PreventionGenetics, part of Exact Sciences
Classification: Likely pathogenic for ABCC2-related condition. Last evaluated: 2026-07-28. Review status: criteria provided, single submitter. Criteria: ACMG Guidelines, 2015. Collection method: clinical testing. Allele origin: germline.
Comment: The ABCC2 c.2345_2348delATCT variant is predicted to result in a frameshift and premature protein termination (p.Tyr782Phefs*2). To our knowledge, this variant has not been reported in the literature or in a large population database (gnomAD), indicating this variant is rare. Frameshift variants in ABCC2 are expected to be pathogenic. This variant is interpreted as likely pathogenic.